The following is an entry in ClinVar:

ClinVar aggregate classification (germline): Likely benign. Review status: criteria provided, single submitter (1 of 4 stars). 2 submissions from 2 submitters: Likely benign (1). 1 of the submissions does not count toward it. Last evaluated 2018-01-12.

Conditions:
Holoprosencephaly 11 (HPE11). Identifiers: Orphanet 2162, MedGen C3280215, MONDO:0013642, OMIM 614226.
CDON-related disorder. Also called: CDON-related condition.

Allele frequency attached by ClinVar (database versions not stated): TOPMed 0.00001; gnomAD 0.00002 and 0.00003; gnomAD exomes 0.00002; ExAC 0.00003.

Submissions (2):

Illumina Laboratory Services, Illumina
Classification: Likely benign for Holoprosencephaly 11. Last evaluated: 2018-01-12. Review status: criteria provided, single submitter. Criteria: ICSL Variant Classification Criteria 13 December 2019. Collection method: clinical testing. Allele origin: germline.
Comment: This variant was observed in the ICSL laboratory as part of a predisposition screen in an ostensibly healthy population. It had not been previously curated by ICSL or reported in the Human Gene Mutation Database (HGMD: prior to June 1st, 2018), and was therefore a candidate for classification through an automated scoring system. Utilizing variant allele frequency, disease prevalence and penetrance estimates, and inheritance mode, an automated score was calculated to assess if this variant is too frequent to cause the disease. Based on the score and internal cut-off values, a variant classified as likely benign is not then subjected to further curation. The score for this variant resulted in a classification of likely benign for this disease.

PreventionGenetics, part of Exact Sciences
Classification: Likely benign for CDON-related condition. Last evaluated: 2019-05-06. Review status: no assertion criteria provided. Collection method: clinical testing. Allele origin: germline. Not counted in ClinVar's aggregate classification.
Comment: This variant is classified as likely benign based on ACMG/AMP sequence variant interpretation guidelines (Richards et al. 2015 PMID: 25741868, with internal and published modifications).

NM_001378964.1(CDON):c.2159-8G>A

Gene: CDON (cell adhesion associated, oncogene regulated; minus strand). Cytogenetic location: 11q24.2.
Variant type: single nucleotide variant.
Coding change: c.2159-8G>A on transcript NM_001378964.1 (MANE Select); 8 bases into the intron before coding-DNA position 2159, G replaced by A.
Molecular consequence: intron variant.
Genome position (GRCh38, 1-based): chr11:125,997,418, C>T on the plus strand (G>A on the coding strand, the complement: CDON is on the minus strand). VCF-style: chr11-125997418-C-T. GRCh37 (hg19) VCF-style: chr11-125867313-C-T.
Other names: c.2159-8G>A (NM_001441166.1, NM_016952.6, NM_001243597.3 and 5 more transcripts).
Identifiers: ClinVar variation 303502 (VCV000303502.7), dbSNP rs759480175, ClinGen allele CA6351809.